The following is an entry in ClinVar:

ClinVar aggregate classification (germline): Uncertain significance. Review status: criteria provided, multiple submitters, no conflicts (2 of 4 stars). 5 submissions from 5 submitters: Uncertain significance (3). 2 of the submissions do not count toward it. Last evaluated 2025-09-04.

Conditions:
Hereditary cancer-predisposing syndrome. Also called: Hereditary Cancer Syndrome; Tumor predisposition; Hereditary neoplastic syndrome; Neoplastic Syndromes, Hereditary. Identifiers: Orphanet 140162, MedGen C0027672, MeSH D009386, MONDO:0015356.
Oligodontia-cancer predisposition syndrome. Also called: TOOTH AGENESIS-COLORECTAL CANCER SYNDROME. Identifiers: Orphanet 300576, MedGen C1837750, MONDO:0012075, OMIM 608615. Disease mechanism: loss of function.

Allele frequency attached by ClinVar (database versions not stated): gnomAD 0.00001.

Submissions (5):

Labcorp Genetics (formerly Invitae), Labcorp
Classification: Uncertain significance for Oligodontia-cancer predisposition syndrome. Last evaluated: 2025-09-04. Review status: criteria provided, single submitter. Criteria: Invitae Variant Classification Sherloc (09022015). Collection method: clinical testing. Allele origin: germline.
Comment: This sequence change replaces lysine, which is basic and polar, with isoleucine, which is neutral and non-polar, at codon 807 of the AXIN2 protein (p.Lys807Ile). This variant is present in population databases (rs780367025, gnomAD 0.002%). This variant has not been reported in the literature in individuals affected with AXIN2-related conditions. ClinVar contains an entry for this variant (Variation ID: 647336). Invitae Evidence Modeling of protein sequence and biophysical properties (such as structural, functional, and spatial information, amino acid conservation, physicochemical variation, residue mobility, and thermodynamic stability) indicates that this missense variant is expected to disrupt AXIN2 protein function with a positive predictive value of 80%. In summary, the available evidence is currently insufficient to determine the role of this variant in disease. Therefore, it has been classified as a Variant of Uncertain Significance.

Center for Genomic Medicine, Rigshospitalet, Copenhagen University Hospital
Classification: Uncertain significance. Last evaluated: 2025-03-04. Review status: criteria provided, single submitter. Criteria: ACMG Guidelines, 2015. Collection method: clinical testing. Allele origin: germline.

Ambry Genetics
Classification: Uncertain significance for Hereditary cancer-predisposing syndrome. Last evaluated: 2024-06-03. Review status: criteria provided, single submitter. Criteria: Ambry Variant Classification Scheme 2023. Collection method: clinical testing. Allele origin: germline.
Comment: The p.K807I variant (also known as c.2420A>T), located in coding exon 10 of the AXIN2 gene, results from an A to T substitution at nucleotide position 2420. The lysine at codon 807 is replaced by isoleucine, an amino acid with dissimilar properties. This amino acid position is highly conserved in available vertebrate species. In addition, the in silico prediction for this alteration is inconclusive. Based on the available evidence, the clinical significance of this variant remains unclear.

Clinical Genetics, Academic Medical Center
Classification: Uncertain significance. Review status: no assertion criteria provided. Collection method: clinical testing. Allele origin: germline. Affected: yes. Study: VKGL Data-share Consensus. Not counted in ClinVar's aggregate classification.

Diagnostic Laboratory, Department of Genetics, University Medical Center Groningen
Classification: Uncertain significance. Review status: no assertion criteria provided. Collection method: clinical testing. Allele origin: germline. Affected: yes. Study: VKGL Data-share Consensus. Not counted in ClinVar's aggregate classification.

NM_004655.4(AXIN2):c.2420A>T (p.Lys807Ile)

Gene: AXIN2 (axin 2; minus strand). Cytogenetic location: 17q24.1.
Variant type: single nucleotide variant.
Coding change: c.2420A>T on transcript NM_004655.4 (MANE Select); coding-DNA position 2420, A replaced by T.
Protein change: p.Lys807Ile; replaces lysine 807 with isoleucine.
Molecular consequence: missense variant.
Genome position (GRCh38, 1-based): chr17:65,530,088, T>A on the plus strand (A>T on the coding strand, the complement: AXIN2 is on the minus strand). VCF-style: chr17-65530088-T-A. GRCh37 (hg19) VCF-style: chr17-63526206-T-A.
Other names: c.2420A>T (LRG_296t1); c.2225A>T, p.Lys742Ile (NM_001363813.1); short protein forms K742I, K807I.
Identifiers: ClinVar variation 647336 (VCV000647336.21), dbSNP rs780367025, ClinGen allele CA8718292.
Genomic context (GRCh38, chr17:65,530,088, plus strand): 5'-ACCGTCTCATCCTCCCAGATCTCCTCAAACACCGCTCCACAGGCAAACTCATCGCTTGCT[T>A]TTTTGAAGTAATACCTTAAAAGGAAAACCAAAAAAGCTTCTTGGTAAACTGCATTTTCCA-3'
Protein context (NP_004646.3, residues 797-817): KKGNYRYYFK[Lys807Ile]ASDEFACGAV